The following is an entry in ClinVar:

NM_000439.5(PCSK1):c.513G>A (p.Glu171=)

Genes: CAST (calpastatin; plus strand), PCSK1 (proprotein convertase subtilisin/kexin type 1; minus strand), LOC101929710 (uncharacterized LOC101929710; plus strand). Cytogenetic location: 5q15.
Variant type: single nucleotide variant.
Coding change: c.513G>A on transcript NM_000439.5 (MANE Select); coding-DNA position 513, G replaced by A.
Protein change: p.Glu171=; no amino-acid change (glutamic acid 171 retained).
Molecular consequence: synonymous variant. On other transcripts: intron variant (11).
Genome position (GRCh38, 1-based): chr5:96,423,343, C>T on the plus strand (G>A on the coding strand, the complement: PCSK1 is on the minus strand). VCF-style: chr5-96423343-C-T. GRCh37 (hg19) VCF-style: chr5-95759047-C-T.
Other names: c.-175+43691C>T (NM_001423259.1, NM_001423255.1, NM_001423250.1 and 6 more transcripts); c.-103+43691C>T (NM_001423253.1); c.-40+43691C>T (NM_001423258.1); c.372G>A, p.Glu124= (NM_001177875.2).
Identifiers: ClinVar variation 4991167 (VCV004991167.1).

ClinVar aggregate classification (germline): Likely benign (1 of 4 stars; one submission).

Conditions:
PCSK1-related disorder. Also called: PCSK1-related condition.

Submission:

PreventionGenetics, part of Exact Sciences
Classification: Likely benign for PCSK1-related condition. Last evaluated: 2025-10-03. Review status: criteria provided, single submitter. Criteria: ACMG Guidelines, 2015. Collection method: clinical testing. Allele origin: germline.
Comment: This variant is classified as likely benign based on ACMG/AMP sequence variant interpretation guidelines (Richards et al. 2015 PMID: 25741868, with internal and published modifications).